The following is an entry in ClinVar:

NM_018263.6(ASXL2):c.2719A>C (p.Thr907Pro)

Gene: ASXL2 (ASXL transcriptional regulator 2; minus strand). Cytogenetic location: 2p23.3.
Variant type: single nucleotide variant.
Coding change: c.2719A>C on transcript NM_018263.6 (MANE Select); coding-DNA position 2719, A replaced by C.
Protein change: p.Thr907Pro; replaces threonine 907 with proline.
Molecular consequence: missense variant.
Genome position (GRCh38, 1-based): chr2:25,743,618, T>G on the plus strand (A>C on the coding strand, the complement: ASXL2 is on the minus strand). VCF-style: chr2-25743618-T-G. GRCh37 (hg19) VCF-style: chr2-25966487-T-G.
Other names: c.2545A>C, p.Thr849Pro (NM_001369346.1); c.1939A>C, p.Thr647Pro (NM_001369347.1); short protein forms T907P, T647P, T849P.
Identifiers: ClinVar variation 1402507 (VCV001402507.6), dbSNP rs373675790, ClinGen allele CA1557590.

ClinVar aggregate classification (germline): Uncertain significance (1 of 4 stars; one submission).

Allele frequency attached by ClinVar (database versions not stated): gnomAD 0.00004 and 0.00005; ESP Exome Variant Server 0.00008; 1000 Genomes Project 30x 0.00016; 1000 Genomes Project 0.00020.
gnomAD v4.1: 32 of 1,614,038 alleles (0.002%); highest among the groups gnomAD compares: East Asian, 0.056%; no homozygotes.

Submission:

Labcorp Genetics (formerly Invitae), Labcorp
Classification: Uncertain significance. Last evaluated: 2021-08-17. Review status: criteria provided, single submitter. Criteria: Invitae Variant Classification Sherloc (09022015). Collection method: clinical testing. Allele origin: germline.
Comment: This variant has not been reported in the literature in individuals affected with ASXL2-related conditions. This variant is present in population databases (rs373675790, ExAC 0.09%), and has an allele count higher than expected for a pathogenic variant (PMID: 28166811). This sequence change replaces threonine with proline at codon 907 of the ASXL2 protein (p.Thr907Pro). The threonine residue is moderately conserved and there is a small physicochemical difference between threonine and proline. Algorithms developed to predict the effect of missense changes on protein structure and function are either unavailable or do not agree on the potential impact of this missense change (SIFT: "Deleterious"; PolyPhen-2: "Not Available"; Align-GVGD: "Class C0"). In summary, the available evidence is currently insufficient to determine the role of this variant in disease. Therefore, it has been classified as a Variant of Uncertain Significance.

Literature cited by the submitters: PubMed 28166811.